The following is an entry in ClinVar:

ClinVar aggregate classification (germline): Pathogenic (1 of 4 stars; one submission).

Conditions:
Salla disease (SD). Also called: Sialuria, Finnish type; N-acetylneuraminic acid (NANA) storage disease (NSD); Infantile sialic acid storage disorder (ISSD); Less Severe FSASD (Salla Disease). Identifiers: Orphanet 309334, Orphanet 834, MedGen C1096903, MONDO:0011449, OMIM 604369.

Submission:

Labcorp Genetics (formerly Invitae), Labcorp
Classification: Pathogenic for Salla disease. Last evaluated: 2018-09-07. Review status: criteria provided, single submitter. Criteria: Invitae Variant Classification Sherloc (09022015). Collection method: clinical testing. Allele origin: germline.
Comment: This variant is an out-of-frame deletion of the genomic region encompassing exons 2-3 of the SLC17A5 gene. This is expected to create a premature translational stop signal and result in an absent or disrupted protein product. This variant has not been reported in the literature in individuals with SLC17A5-related disease. Loss-of-function variants in SLC17A5 are known to be pathogenic (PMID: 10581036, 10947946, 15172001). For these reasons, this variant has been classified as Pathogenic.

Literature cited by the submitters: PubMed 10581036; PubMed 10947946; PubMed 15172001.

NC_000006.12:g.(?_73641681)_(73644613_?)del

Genes: SLC17A5 (solute carrier family 17 member 5; minus strand), LOC132089456 (Neanderthal introgressed variant-containing enhancer experimental_94414; plus strand), LOC132089457 (Neanderthal introgressed variant-containing enhancer experimental_94416; plus strand), LOC132089454 (Neanderthal introgressed variant-containing enhancer experimental_94412; plus strand), LOC132089455 (Neanderthal introgressed variant-containing enhancer experimental_94413; plus strand). Cytogenetic location: 6q13.
Variant type: Deletion.
Identifiers: ClinVar variation 649623 (VCV000649623.8).